The following is an entry in ClinVar:

NM_003906.5(MCM3AP):c.829G>A (p.Ala277Thr)

Gene: MCM3AP (minichromosome maintenance complex component 3 associated protein; minus strand). Cytogenetic location: 21q22.3.
Variant type: single nucleotide variant.
Coding change: c.829G>A on transcript NM_003906.5 (MANE Select); coding-DNA position 829, G replaced by A.
Protein change: p.Ala277Thr; replaces alanine 277 with threonine.
Molecular consequence: missense variant.
Genome position (GRCh38, 1-based): chr21:46,284,458, C>T on the plus strand (G>A on the coding strand, the complement: MCM3AP is on the minus strand). VCF-style: chr21-46284458-C-T. GRCh37 (hg19) VCF-style: chr21-47704372-C-T.
Other names: short protein forms A277T.
Identifiers: ClinVar variation 1416268 (VCV001416268.6), dbSNP rs754041729, ClinGen allele CA410534293.

ClinVar aggregate classification (germline): Uncertain significance (1 of 4 stars; one submission).

gnomAD v4.1: 11 of 1,614,192 alleles (0.00068%); highest among the groups gnomAD compares: African/African-American, 0.0027%; no homozygotes.

Submission:

Labcorp Genetics (formerly Invitae), Labcorp
Classification: Uncertain significance. Last evaluated: 2023-11-19. Review status: criteria provided, single submitter. Criteria: Invitae Variant Classification Sherloc (09022015). Collection method: clinical testing. Allele origin: germline.
Comment: This sequence change replaces alanine, which is neutral and non-polar, with threonine, which is neutral and polar, at codon 277 of the MCM3AP protein (p.Ala277Thr). This variant is present in population databases (no rsID available, gnomAD 0.002%). This variant has not been reported in the literature in individuals affected with MCM3AP-related conditions. ClinVar contains an entry for this variant (Variation ID: 1416268). Algorithms developed to predict the effect of missense changes on protein structure and function output the following: SIFT: "Not Available"; PolyPhen-2: "Benign"; Align-GVGD: "Not Available". The threonine amino acid residue is found in multiple mammalian species, which suggests that this missense change does not adversely affect protein function. In summary, the available evidence is currently insufficient to determine the role of this variant in disease. Therefore, it has been classified as a Variant of Uncertain Significance.